The following is an entry in ClinVar:

NM_000051.4(ATM):c.4307A>G (p.His1436Arg)

Gene: ATM (ATM serine/threonine kinase; plus strand). Cytogenetic location: 11q22.3.
Variant type: single nucleotide variant.
Coding change: c.4307A>G on transcript NM_000051.4 (MANE Select); coding-DNA position 4307, A replaced by G.
Protein change: p.His1436Arg; replaces histidine 1436 with arginine.
Molecular consequence: missense variant.
Genome position (GRCh38, 1-based): chr11:108,289,672, A>G. VCF-style: chr11-108289672-A-G. GRCh37 (hg19) VCF-style: chr11-108160399-A-G.
Other names: c.4307A>G, p.His1436Arg (NM_001351834.2); short protein forms H1436R.
Identifiers: ClinVar variation 453512 (VCV000453512.26), dbSNP rs940104361, ClinGen allele CA228375273.

ClinVar aggregate classification (germline): Uncertain significance. Review status: criteria provided, multiple submitters, no conflicts (2 of 4 stars). 6 submissions from 6 submitters: Uncertain significance (5). 1 of the submissions does not count toward it. Last evaluated 2026-01-30.

Conditions:
Hereditary cancer-predisposing syndrome. Also called: Tumor predisposition; Hereditary Cancer Syndrome; Neoplastic Syndromes, Hereditary; Hereditary neoplastic syndrome. Identifiers: Orphanet 140162, MedGen C0027672, MeSH D009386, MONDO:0015356.
Ataxia-telangiectasia syndrome (AT). Also called: Cerebello-oculocutaneous telangiectasia; Immunodeficiency with ataxia telangiectasia; Ataxia-telangiectasia, complementation group D; AT, COMPLEMENTATION GROUP C; Ataxia-telangiectasia, complementation group E; LOUIS-BAR SYNDROME. Identifiers: Orphanet 100, MedGen C0004135, MONDO:0008840, OMIM 208900.

Allele frequency attached by ClinVar (database versions not stated): gnomAD exomes below 0.00001; gnomAD 0.00002; TOPMed 0.00002.
gnomAD v4.1: 8 of 1,613,114 alleles (0.0005%); highest among the groups gnomAD compares: African/African-American, 0.008%; no homozygotes.

Submissions (6):

Women's Health and Genetics/Laboratory Corporation of America, LabCorp
Classification: Uncertain significance. Last evaluated: 2026-01-30. Review status: criteria provided, single submitter. Criteria: LabCorp Variant Classification Summary - May 2015. Collection method: clinical testing. Allele origin: germline.
Comment: Variant summary: ATM c.4307A>G (p.His1436Arg) results in a non-conservative amino acid change in the encoded protein sequence. Algorithms developed to predict the effect of missense changes on protein structure and function are either unavailable or do not agree on the potential impact of this missense change. The variant allele was found at a frequency of 4e-06 in 250540 control chromosomes (gnomAD). The available data on variant occurrences in the general population are insufficient to allow any conclusion about variant significance. To our knowledge, no occurrence of c.4307A>G in individuals affected with ATM-related conditions and no experimental evidence demonstrating its impact on protein function have been reported. ClinVar contains an entry for this variant (Variation ID: 453512). Based on the evidence outlined above, the variant was classified as uncertain significance.

Labcorp Genetics (formerly Invitae), Labcorp
Classification: Uncertain significance for Ataxia-telangiectasia syndrome. Last evaluated: 2025-09-30. Review status: criteria provided, single submitter. Criteria: Invitae Variant Classification Sherloc (09022015). Collection method: clinical testing. Allele origin: germline.
Comment: This sequence change replaces histidine, which is basic and polar, with arginine, which is basic and polar, at codon 1436 of the ATM protein (p.His1436Arg). This variant is present in population databases (no rsID available, gnomAD 0.01%). This variant has not been reported in the literature in individuals affected with ATM-related conditions. ClinVar contains an entry for this variant (Variation ID: 453512). Invitae Evidence Modeling of protein sequence and biophysical properties (such as structural, functional, and spatial information, amino acid conservation, physicochemical variation, residue mobility, and thermodynamic stability) indicates that this missense variant is not expected to disrupt ATM protein function with a negative predictive value of 95%. In summary, the available evidence is currently insufficient to determine the role of this variant in disease. Therefore, it has been classified as a Variant of Uncertain Significance.

Ambry Genetics
Classification: Uncertain significance for Hereditary cancer-predisposing syndrome. Last evaluated: 2025-05-09. Review status: criteria provided, single submitter. Criteria: Ambry Variant Classification Scheme 2023. Collection method: clinical testing. Allele origin: germline.
Comment: The p.H1436R variant (also known as c.4307A>G), located in coding exon 28 of the ATM gene, results from an A to G substitution at nucleotide position 4307. The histidine at codon 1436 is replaced by arginine, an amino acid with highly similar properties. This alteration has been detected in 0/4112 breast cancer patients and 1/2399 healthy control individuals across numerous studies (Tavtigian SV et al. Am. J. Hum. Genet. 2009 Oct;85:427-46). This amino acid position is not well conserved in available vertebrate species. In addition, this alteration is predicted to be tolerated by in silico analysis. Based on the available evidence, the clinical significance of this variant remains unclear.

Color Diagnostics, LLC DBA Color Health
Classification: Uncertain significance for Hereditary cancer-predisposing syndrome. Last evaluated: 2025-02-19. Review status: criteria provided, single submitter. Criteria: ACMG Guidelines, 2015. Collection method: clinical testing. Allele origin: germline.
Comment: This missense variant replaces histidine with arginine at codon 1436 of the ATM protein. Computational prediction suggests that this variant may not impact protein structure and function. To our knowledge, functional studies have not been reported for this variant. This variant has been reported in an individual affected with breast cancer (PMID: 12935922). This variant has been identified in 3/281946 chromosomes in the general population by the Genome Aggregation Database (gnomAD). The available evidence is insufficient to determine the role of this variant in disease conclusively. Therefore, this variant is classified as a Variant of Uncertain Significance.

GeneDx
Classification: Uncertain significance. Last evaluated: 2024-04-25. Review status: criteria provided, single submitter. Criteria: GeneDx Variant Classification Process June 2021. Collection method: clinical testing. Allele origin: germline. Affected: yes.
Comment: Not observed at significant frequency in large population cohorts (gnomAD); In silico analysis indicates that this missense variant does not alter protein structure/function; Observed in control subjects but not in breast cancer cases (PMID: 19781682, 12935922); This variant is associated with the following publications: (PMID: 30197789, 12935922, 19781682)

Natera, Inc.
Classification: Uncertain significance for Ataxia-telangiectasia. Last evaluated: 2021-02-05. Review status: no assertion criteria provided. Collection method: clinical testing. Allele origin: germline. Not counted in ClinVar's aggregate classification.

Literature cited by the submitters: PubMed 12935922 (cited by Women's Health and Genetics/Laboratory Corporation of America, LabCorp and Color Diagnostics, LLC DBA Color Health); PubMed 19781682 (cited by Ambry Genetics).